The following is an entry in ClinVar:

ClinVar aggregate classification (germline): Uncertain significance (1 of 4 stars; one submission).

Allele frequency attached by ClinVar (database versions not stated): gnomAD exomes below 0.00001; gnomAD 0.00001; TOPMed 0.00001.
gnomAD v4.1: 3 of 1,613,810 alleles (0.00019%); highest among the groups gnomAD compares: African/African-American, 0.0013%; no homozygotes.

Submission:

Labcorp Genetics (formerly Invitae), Labcorp
Classification: Uncertain significance for Combined immunodeficiency due to DOCK8 deficiency. Last evaluated: 2025-01-19. Review status: criteria provided, single submitter. Criteria: Invitae Variant Classification Sherloc (09022015). Collection method: clinical testing. Allele origin: germline.
Comment: This sequence change replaces serine, which is neutral and polar, with asparagine, which is neutral and polar, at codon 933 of the DOCK8 protein (p.Ser933Asn). This variant is not present in population databases (gnomAD no frequency). This variant has not been reported in the literature in individuals affected with DOCK8-related conditions. ClinVar contains an entry for this variant (Variation ID: 1002912). An algorithm developed to predict the effect of missense changes on protein structure and function outputs the following: PolyPhen-2: "Benign". The asparagine amino acid residue is found in multiple mammalian species, which suggests that this missense change does not adversely affect protein function. In summary, the available evidence is currently insufficient to determine the role of this variant in disease. Therefore, it has been classified as a Variant of Uncertain Significance.

NM_203447.4(DOCK8):c.2798G>A (p.Ser933Asn)

Gene: DOCK8 (dedicator of cytokinesis 8; plus strand). Cytogenetic location: 9p24.3.
Variant type: single nucleotide variant.
Coding change: c.2798G>A on transcript NM_203447.4 (MANE Select); coding-DNA position 2798, G replaced by A.
Protein change: p.Ser933Asn; replaces serine 933 with asparagine.
Molecular consequence: missense variant. On other transcripts: intron variant (1).
Genome position (GRCh38, 1-based): chr9:386,350, G>A. VCF-style: chr9-386350-G-A. GRCh37 (hg19) VCF-style: chr9-386350-G-A.
Other names: c.2594G>A, p.Ser865Asn (NM_001193536.2); c.2574+3665G>A (NM_001190458.2); short protein forms S865N, S933N.
Identifiers: ClinVar variation 1002912 (VCV001002912.13), dbSNP rs1051161621, ClinGen allele CA187823664.
Genomic context (GRCh38, chr9:386,350, plus strand): 5'-CATGGTTGGTTGACTGTTAAGCCATGGTTTGTGTATTTTAGATCGCCGATCGCAACTGCA[G>A]CCGAATGTCTTACTATTGCTCTGGCAGTAGTGATGCTCCAAGTTCACCTGCAGCCCCAAG-3'
Protein context (NP_982272.2, residues 923-943): MSSKIADRNC[Ser933Asn]RMSYYCSGSS